The following is an entry in ClinVar:

NM_004168.4(SDHA):c.935G>T (p.Arg312Leu)

Gene: SDHA (succinate dehydrogenase complex flavoprotein subunit A; plus strand). Cytogenetic location: 5p15.33.
Variant type: single nucleotide variant.
Coding change: c.935G>T on transcript NM_004168.4 (MANE Select); coding-DNA position 935, G replaced by T.
Protein change: p.Arg312Leu; replaces arginine 312 with leucine.
Molecular consequence: missense variant.
Genome position (GRCh38, 1-based): chr5:233,516, G>T. VCF-style: chr5-233516-G-T. GRCh37 (hg19) VCF-style: chr5-233631-G-T.
Other names: c.791G>T, p.Arg264Leu (NM_001294332.2); c.935G>T, p.Arg312Leu (NM_001330758.2); c.935G>T (NM_004168.2); short protein forms R264L, R312L.
Identifiers: ClinVar variation 999568 (VCV000999568.8), dbSNP rs876660932, ClinGen allele CA359012610.

ClinVar aggregate classification (germline): Uncertain significance. Review status: criteria provided, multiple submitters, no conflicts (2 of 4 stars). 2 submissions from 2 submitters: Uncertain significance (2). Last evaluated 2024-10-24.

Conditions:
Hereditary cancer-predisposing syndrome. Also called: Tumor predisposition; Hereditary neoplastic syndrome; Neoplastic Syndromes, Hereditary; Hereditary Cancer Syndrome. Identifiers: Orphanet 140162, MedGen C0027672, MeSH D009386, MONDO:0015356.
Mitochondrial complex II deficiency, nuclear type 1. Also called: SUCCINATE CoQ REDUCTASE DEFICIENCY. Identifiers: Orphanet 3208, MedGen C5700310, MONDO:0100294, OMIM 252011.
Pheochromocytoma/paraganglioma syndrome 5. Also called: Paragangliomas 5; SDHA-Related Hereditary Paraganglioma-Pheochromocytoma Syndrome. Identifiers: Orphanet 29072, MedGen C3279992, MONDO:0013602, OMIM 614165.

Submissions (2):

Labcorp Genetics (formerly Invitae), Labcorp
Classification: Uncertain significance for Pheochromocytoma/paraganglioma syndrome 5; Mitochondrial complex II deficiency, nuclear type 1. Last evaluated: 2024-10-24. Review status: criteria provided, single submitter. Criteria: Invitae Variant Classification Sherloc (09022015). Collection method: clinical testing. Allele origin: germline.
Comment: This sequence change replaces arginine, which is basic and polar, with leucine, which is neutral and non-polar, at codon 312 of the SDHA protein (p.Arg312Leu). This variant is not present in population databases (gnomAD no frequency). This variant has not been reported in the literature in individuals affected with SDHA-related conditions. ClinVar contains an entry for this variant (Variation ID: 999568). Invitae Evidence Modeling of protein sequence and biophysical properties (such as structural, functional, and spatial information, amino acid conservation, physicochemical variation, residue mobility, and thermodynamic stability) has been performed for this missense variant. However, the output from this modeling did not meet the statistical confidence thresholds required to predict the impact of this variant on SDHA protein function. In summary, the available evidence is currently insufficient to determine the role of this variant in disease. Therefore, it has been classified as a Variant of Uncertain Significance.

Ambry Genetics
Classification: Uncertain significance for Hereditary cancer-predisposing syndrome. Last evaluated: 2023-02-28. Review status: criteria provided, single submitter. Criteria: Ambry Variant Classification Scheme 2023. Collection method: clinical testing. Allele origin: germline.
Comment: The p.R312L variant (also known as c.935G>T), located in coding exon 8 of the SDHA gene, results from a G to T substitution at nucleotide position 935. The arginine at codon 312 is replaced by leucine, an amino acid with dissimilar properties. This amino acid position is conserved. In addition, this alteration is predicted to be deleterious by in silico analysis. Since supporting evidence is limited at this time, the clinical significance of this alteration remains unclear.